The following is an entry in ClinVar:

ClinVar aggregate classification (germline): Pathogenic (1 of 4 stars; one submission).

Conditions:
Congenital hyperammonemia, type I. Also called: CPS I DEFICIENCY; Carbamoyl phosphate synthetase I deficiency disease; Carbamoyl-phosphate synthase I deficiency; Carbamoyl phosphate synthetase 1 deficiency; Hyperammonemia due to carbamoyl phosphate synthetase 1 deficiency; CPS 1 deficiency. Identifiers: Orphanet 147, MedGen C4082171, MONDO:0009376, OMIM 237300.

Submission:

Myriad Genetics, Inc.
Classification: Pathogenic for Congenital hyperammonemia, type I. Last evaluated: 2025-10-24. Review status: criteria provided, single submitter. Criteria: Myriad Autosomal Dominant, Autosomal Recessive and X-Linked Classification Criteria (2023). Collection method: clinical testing. Allele origin: unknown.
Comment: NM_001875.4(CPS1):c.4220dupC(V1408Sfs*21) is a frameshift variant classified as pathogenic in the context of carbamoylphosphate synthetase I deficiency. V1408Sfs*21 has not been observed in cases with relevant disease. Relevant functional assessments of this variant are not available in the literature. V1408Sfs*21 has not been observed in referenced population frequency databases. In summary, NM_001875.4(CPS1):c.4220dupC(V1408Sfs*21) is a frameshift variant in a gene where loss of function is a known mechanism of disease and is predicted to disrupt protein function. Please note: this variant was assessed in the context of healthy population screening.

NM_001875.5(CPS1):c.4220dup (p.Val1408fs)

Gene: CPS1 (carbamoyl-phosphate synthase 1; plus strand). Cytogenetic location: 2q34.
Variant type: Duplication.
Coding change: c.4220dup on transcript NM_001875.5 (MANE Select); coding-DNA position 4220, one base duplicated (C; older notation c.4220dupC).
Protein change: p.Val1408fs; shifts the reading frame from valine 1408.
Molecular consequence: frameshift variant. On other transcripts: non-coding transcript variant (2).
Genome position (GRCh38, 1-based): chr2:210,675,786, C duplicated; the last of 4 consecutive C bases (chr2:210,675,783-210,675,786); duplicating any one gives the same sequence. VCF-style (leftmost placement, unchanged base first): chr2-210675782-A-AC. GRCh37 (hg19) VCF-style: chr2-211540506-A-AC.
Other names: c.4220dup, p.Val1408fs (NM_001122633.3, NM_001369257.1); c.4253dup, p.Val1419fs (NM_001369256.1); short protein forms V1408fs, V1419fs.
Identifiers: ClinVar variation 5004229 (VCV005004229.1).